The following is an entry in ClinVar:

ClinVar aggregate classification (germline): Pathogenic (1 of 4 stars; one submission).

Conditions:
Congenital myasthenic syndrome 8. Also called: MYASTHENIC SYNDROME, CONGENITAL, DUE TO AGRIN DEFICIENCY; Myasthenic syndrome, congenital, 8, with pre- and postsynaptic defects. Identifiers: Orphanet 590, MedGen C3808739, MONDO:0014052, OMIM 615120.

Submission:

Labcorp Genetics (formerly Invitae), Labcorp
Classification: Pathogenic for Congenital myasthenic syndrome 8. Last evaluated: 2023-05-12. Review status: criteria provided, single submitter. Criteria: Invitae Variant Classification Sherloc (09022015). Collection method: clinical testing. Allele origin: germline.
Comment: For these reasons, this variant has been classified as Pathogenic. This variant has not been reported in the literature in individuals affected with AGRN-related conditions. This variant is not present in population databases (gnomAD no frequency). This sequence change creates a premature translational stop signal (p.Leu298Argfs*17) in the AGRN gene. It is expected to result in an absent or disrupted protein product. Loss-of-function variants in AGRN are known to be pathogenic (PMID: 24951643).

Literature cited by the submitters: PubMed 24951643.

NM_198576.4(AGRN):c.893_903del (p.Leu298fs)

Gene: AGRN (agrin; plus strand). Cytogenetic location: 1p36.33.
Variant type: Deletion.
Coding change: c.893_903del on transcript NM_198576.4 (MANE Select); coding-DNA positions 893 to 903, 11 bases deleted (TCCTGCGCCGC).
Protein change: p.Leu298fs; shifts the reading frame from leucine 298.
Molecular consequence: frameshift variant.
Genome position (GRCh38, 1-based): chr1:1,041,338-1,041,348, TCCTGCGCCGC deleted; deleting any 11 consecutive bases within chr1:1,041,336-1,041,348 gives the same sequence; the c. name uses the placement nearest the transcript's 3' end. VCF-style (leftmost placement, unchanged base first): chr1-1041335-AGCTCCTGCGCC-A. GRCh37 (hg19) VCF-style: chr1-976715-AGCTCCTGCGCC-A.
Other names: c.893_903del, p.Leu298fs (NM_001305275.2); c.578_588del, p.Leu193fs (NM_001364727.2); short protein forms L193fs, L298fs.
Identifiers: ClinVar variation 3010684 (VCV003010684.3), dbSNP rs1644929836, ClinGen allele CA1148751752.